The following is an entry in ClinVar:

ClinVar aggregate classification (germline): Pathogenic (1 of 4 stars; one submission).

Conditions:
Baller-Gerold syndrome (BGS). Also called: CRANIOSYNOSTOSIS WITH RADIAL DEFECTS. Identifiers: Orphanet 1225, MedGen C0265308, MONDO:0009039, OMIM 218600.

Submission:

Labcorp Genetics (formerly Invitae), Labcorp
Classification: Pathogenic for Baller-Gerold syndrome. Last evaluated: 2019-05-14. Review status: criteria provided, single submitter. Criteria: Invitae Variant Classification Sherloc (09022015). Collection method: clinical testing. Allele origin: germline.
Comment: This variant is a complex sequence change that deletes the genomic region encompassing exons 13-17 and part of exon 18 and inserts 1 nucleotide in the RECQL4 gene (c.2059-79_3202delinsC). It is expected to disrupt RNA splicing and likely results in an absent or disrupted protein product. This variant has been observed to be homozygous in an individual affected with Baller-Gerold syndrome (BGS) (PMID: 28358413). This variant disrupts the p.Arg1021 amino acid residue in RECQL4. Other variant(s) that disrupt this residue have been determined to be pathogenic (PMID: 15897384, 15964893, 23899764, 24635570). This suggests that this residue is clinically significant, and that variants that disrupt this residue are likely to be disease-causing. Loss-of-function variants in RECQL4 are known to be pathogenic (PMID: 12734318, 12952869). For these reasons, this variant has been classified as Pathogenic.

Literature cited by the submitters: PubMed 15897384; PubMed 24635570; PubMed 23899764; PubMed 28358413; PubMed 15964893.

NM_004260.4(RECQL4):c.2059-76_3204del

Gene: RECQL4 (RecQ like helicase 4; minus strand). Cytogenetic location: 8q24.3.
Variant type: Deletion.
Coding change: c.2059-76_3204del on transcript NM_004260.4 (MANE Select); 76 bases into the intron before coding-DNA position 2059 through coding-DNA position 3204, 1,613 bases deleted.
Molecular consequence: splice acceptor variant, splice donor variant.
Genome position (GRCh38, 1-based): chr8:144,512,176-144,513,788, 1,613 bases deleted.
Identifiers: ClinVar variation 947032 (VCV000947032.2), ClinGen allele CA1139660821.